The following is an entry in ClinVar:

NM_015662.3(IFT172):c.1983T>A (p.His661Gln)

Gene: IFT172 (intraflagellar transport 172; minus strand). Cytogenetic location: 2p23.3.
Variant type: single nucleotide variant.
Coding change: c.1983T>A on transcript NM_015662.3 (MANE Select); coding-DNA position 1983, T replaced by A.
Protein change: p.His661Gln; replaces histidine 661 with glutamine.
Molecular consequence: missense variant.
Genome position (GRCh38, 1-based): chr2:27,463,136, A>T on the plus strand (T>A on the coding strand, the complement: IFT172 is on the minus strand). VCF-style: chr2-27463136-A-T. GRCh37 (hg19) VCF-style: chr2-27686003-A-T.
Other names: c.1983T>A (NM_015662.1); short protein forms H661Q.
Identifiers: ClinVar variation 956265 (VCV000956265.15), dbSNP rs150739354, ClinGen allele CA1580465.

ClinVar aggregate classification (germline): Conflicting classifications of pathogenicity. Review status: criteria provided, conflicting classifications (1 of 4 stars). 6 submissions from 6 submitters: Uncertain significance (3); Benign (1); Likely benign (1). 1 of the submissions does not count toward it. Last evaluated 2025-10-13.

Conditions:
Inborn genetic diseases. Identifiers: MedGen C0950123, MeSH D030342.
Retinitis pigmentosa 71 (RP71). Identifiers: Orphanet 791, MedGen C4225342, MONDO:0014618, OMIM 616394.
Short-rib thoracic dysplasia 10 with or without polydactyly (SRTD10). Identifiers: Orphanet 474, MedGen C3810175, MONDO:0014284, OMIM 615630.
Bardet-Biedl syndrome 20. Identifiers: MedGen C4310707, MONDO:0023670, OMIM 619471, MONDO:0014926.
IFT172-related disorder. Also called: IFT172-related disorders; IFT172-related condition.

Allele frequency attached by ClinVar (database versions not stated): gnomAD exomes 0.00008; ExAC 0.00011; TOPMed 0.00022; 1000 Genomes Project 30x 0.00047; 1000 Genomes Project 0.00060; ESP Exome Variant Server 0.00062.
gnomAD v4.1: 93 of 1,614,210 alleles (0.0058%); highest among the groups gnomAD compares: African/African-American, 0.11%; no homozygotes.

Submissions (6):

Labcorp Genetics (formerly Invitae), Labcorp
Classification: Likely benign for Retinitis pigmentosa 71; Short-rib thoracic dysplasia 10 with or without polydactyly. Last evaluated: 2025-10-13. Review status: criteria provided, single submitter. Criteria: Invitae Variant Classification Sherloc (09022015). Collection method: clinical testing. Allele origin: germline.

Ambry Genetics
Classification: Uncertain significance for Inborn genetic diseases. Last evaluated: 2025-08-02. Review status: criteria provided, single submitter. Criteria: Ambry Variant Classification Scheme 2023. Collection method: clinical testing. Allele origin: germline.

Fulgent Genetics
Classification: Uncertain significance for Short-rib thoracic dysplasia 10 with or without polydactyly; Retinitis pigmentosa 71; Bardet-Biedl syndrome 20. Last evaluated: 2024-05-14. Review status: criteria provided, single submitter. Criteria: ACMG Guidelines, 2015. Collection method: clinical testing. Allele origin: germline.

Blueprint Genetics
Classification: Benign. Last evaluated: 2023-12-27. Review status: criteria provided, single submitter. Criteria: ACMG Guidelines, 2015. Collection method: clinical testing. Allele origin: germline.

GeneDx
Classification: Uncertain significance. Last evaluated: 2019-07-08. Review status: criteria provided, single submitter. Criteria: GeneDx Variant Classification Process June 2021. Collection method: clinical testing. Allele origin: germline. Affected: yes.
Comment: In silico analysis, which includes protein predictors and evolutionary conservation, supports that this variant does not alter protein structure/function; Has not been previously published as pathogenic or benign to our knowledge

PreventionGenetics, part of Exact Sciences
Classification: Likely benign for IFT172-related condition. Last evaluated: 2020-08-03. Review status: no assertion criteria provided. Collection method: clinical testing. Allele origin: germline. Not counted in ClinVar's aggregate classification.
Comment: This variant is classified as likely benign based on ACMG/AMP sequence variant interpretation guidelines (Richards et al. 2015 PMID: 25741868, with internal and published modifications).